The following is an entry in ClinVar:

ClinVar aggregate classification (germline): Uncertain significance (1 of 4 stars; one submission).

Submission:

Labcorp Genetics (formerly Invitae), Labcorp
Classification: Uncertain significance. Last evaluated: 2021-07-21. Review status: criteria provided, single submitter. Criteria: Invitae Variant Classification Sherloc (09022015). Collection method: clinical testing. Allele origin: germline.
Comment: Algorithms developed to predict the effect of missense changes on protein structure and function (SIFT, PolyPhen-2, Align-GVGD) all suggest that this variant is likely to be tolerated. In summary, the available evidence is currently insufficient to determine the role of this variant in disease. Therefore, it has been classified as a Variant of Uncertain Significance. This sequence change replaces glutamic acid with aspartic acid at codon 352 of the ERBB2 protein (p.Glu352Asp). The glutamic acid residue is weakly conserved and there is a small physicochemical difference between glutamic acid and aspartic acid. This variant is not present in population databases (ExAC no frequency). This variant has not been reported in the literature in individuals affected with ERBB2-related conditions.

NM_004448.4(ERBB2):c.1056G>C (p.Glu352Asp)

Gene: ERBB2 (erb-b2 receptor tyrosine kinase 2; plus strand). Cytogenetic location: 17q12.
Variant type: single nucleotide variant.
Coding change: c.1056G>C on transcript NM_004448.4 (MANE Select); coding-DNA position 1056, G replaced by C.
Protein change: p.Glu352Asp; replaces glutamic acid 352 with aspartic acid.
Molecular consequence: missense variant. On other transcripts: non-coding transcript variant (1).
Genome position (GRCh38, 1-based): chr17:39,712,356, G>C. VCF-style: chr17-39712356-G-C. GRCh37 (hg19) VCF-style: chr17-37868609-G-C.
Other names: c.1056G>C, p.Glu352Asp (NM_001382790.1, NM_001382792.1, NM_001382793.1 and 16 more transcripts); c.1047G>C, p.Glu349Asp (NM_001382791.1); c.876G>C, p.Glu292Asp (NM_001382799.1); c.966G>C, p.Glu322Asp (NM_001005862.3, NM_001289938.2, NM_001382782.1 and 1 more transcripts); c.1011G>C, p.Glu337Asp (NM_001289936.2); c.1131G>C, p.Glu377Asp (NM_001382787.1); c.798G>C, p.Glu266Asp (NM_001382802.1); c.228G>C, p.Glu76Asp (NM_001382804.1); short protein forms E266D, E377D, E322D, E352D, E292D, E337D, E349D, E76D.
Identifiers: ClinVar variation 1406690 (VCV001406690.8), dbSNP rs2145576335, ClinGen allele CA399284077.